The following is an entry in ClinVar:

ClinVar aggregate classification (germline): Pathogenic/Likely pathogenic. Review status: criteria provided, multiple submitters, no conflicts (2 of 4 stars). 3 submissions from 3 submitters: Pathogenic (1); Likely pathogenic (2). Last evaluated 2025-03-21.

Conditions:
PDE6B-related disorder. Also called: PDE6B-related disorders; PDE6B-related disease; PDE6B-related condition.
Retinitis pigmentosa 40 (RP40). Identifiers: Orphanet 791, MedGen C3151107, MONDO:0013429, OMIM 613801.

Allele frequency attached by ClinVar (database versions not stated): gnomAD exomes below 0.00001 and 0.00002; gnomAD 0.00001; TOPMed 0.00001; ExAC 0.00002.
gnomAD v4.1: 26 of 1,613,128 alleles (0.0016%); highest among the groups gnomAD compares: Non-Finnish European, 0.0021%; no homozygotes.

Submissions (3):

PreventionGenetics, part of Exact Sciences
Classification: Likely pathogenic for PDE6B-related condition. Last evaluated: 2025-03-21. Review status: criteria provided, single submitter. Criteria: ACMG Guidelines, 2015. Collection method: clinical testing. Allele origin: germline.
Comment: The PDE6B c.2140A>T variant is predicted to result in the amino acid substitution p.Met714Leu. This variant has been reported along with a second PDE6B variant in individuals with retinitis pigmentosa (Table S1, Stone et al. 2017. PubMed ID: 28559085; Foote et al. 2019. PubMed ID: 30924848). This variant is present in 0.0016% of alleles in individuals of European (Non-Finnish) descent in gnomAD. This variant is interpreted as likely pathogenic.

Labcorp Genetics (formerly Invitae), Labcorp
Classification: Pathogenic. Last evaluated: 2022-12-31. Review status: criteria provided, single submitter. Criteria: Invitae Variant Classification Sherloc (09022015). Collection method: clinical testing. Allele origin: germline.
Comment: Advanced modeling of protein sequence and biophysical properties (such as structural, functional, and spatial information, amino acid conservation, physicochemical variation, residue mobility, and thermodynamic stability) performed at Invitae indicates that this missense variant is not expected to disrupt PDE6B protein function. This sequence change replaces methionine, which is neutral and non-polar, with leucine, which is neutral and non-polar, at codon 714 of the PDE6B protein (p.Met714Leu). This variant is present in population databases (rs751413984, gnomAD 0.002%). This missense change has been observed in individual(s) with autosomal recessive retinitis pigmentosa (PMID: 28559085, 30924848; Invitae). In at least one individual the data is consistent with being in trans (on the opposite chromosome) from a pathogenic variant. It has also been observed to segregate with disease in related individuals. ClinVar contains an entry for this variant (Variation ID: 684509). For these reasons, this variant has been classified as Pathogenic.

Blueprint Genetics
Classification: Likely pathogenic for PDE6B-related disorders. Last evaluated: 2022-01-06. Review status: criteria provided, single submitter. Criteria: ACMG Guidelines, 2015. Collection method: clinical testing. Allele origin: germline. Affected: yes. Observed: 4 variant alleles.

Literature cited by the submitters: PubMed 28559085 (cited by Labcorp Genetics (formerly Invitae), Labcorp); PubMed 30924848 (cited by Labcorp Genetics (formerly Invitae), Labcorp).

NM_000283.4(PDE6B):c.2140A>T (p.Met714Leu)

Gene: PDE6B (phosphodiesterase 6B; plus strand). Cytogenetic location: 4p16.3.
Variant type: single nucleotide variant.
Coding change: c.2140A>T on transcript NM_000283.4 (MANE Select); coding-DNA position 2140, A replaced by T.
Protein change: p.Met714Leu; replaces methionine 714 with leucine.
Molecular consequence: missense variant.
Genome position (GRCh38, 1-based): chr4:664,891, A>T. VCF-style: chr4-664891-A-T. GRCh37 (hg19) VCF-style: chr4-658680-A-T.
Other names: c.2140A>T, p.Met714Leu (NM_001145291.2); c.1303A>T, p.Met435Leu (NM_001145292.2, NM_001350154.3, NM_001379246.1 and 1 more transcripts); c.985A>T, p.Met329Leu (NM_001350155.3); short protein forms M714L, M329L, M435L.
Identifiers: ClinVar variation 684509 (VCV000684509.12), dbSNP rs751413984, ClinGen allele CA2794908.